The following is an entry in ClinVar:

ClinVar aggregate classification (germline): Uncertain significance (1 of 4 stars; one submission).

Submission:

Labcorp Genetics (formerly Invitae), Labcorp
Classification: Uncertain significance. Last evaluated: 2025-11-15. Review status: criteria provided, single submitter. Criteria: Invitae Variant Classification Sherloc (09022015). Collection method: clinical testing. Allele origin: germline.
Comment: This sequence change replaces glutamine, which is neutral and polar, with histidine, which is basic and polar, at codon 23 of the APOA1 protein (p.Gln23His). This variant is not present in population databases (gnomAD no frequency). This variant has not been reported in the literature in individuals affected with APOA1-related conditions. Invitae Evidence Modeling of protein sequence and biophysical properties (such as structural, functional, and spatial information, amino acid conservation, physicochemical variation, residue mobility, and thermodynamic stability) has been performed for this missense variant. However, the output from this modeling did not meet the statistical confidence thresholds required to predict the impact of this variant on APOA1 protein function. In summary, the available evidence is currently insufficient to determine the role of this variant in disease. Therefore, it has been classified as a Variant of Uncertain Significance.

NM_000039.3(APOA1):c.69G>C (p.Gln23His)

Genes: APOA1 (apolipoprotein A1; minus strand), APOA1-AS (APOA1 antisense RNA; plus strand). Cytogenetic location: 11q23.3.
Variant type: single nucleotide variant.
Coding change: c.69G>C on transcript NM_000039.3 (MANE Select); coding-DNA position 69, G replaced by C.
Protein change: p.Gln23His; replaces glutamine 23 with histidine.
Molecular consequence: missense variant. On other transcripts: 5 prime UTR variant (1), intron variant (2).
Genome position (GRCh38, 1-based): chr11:116,837,132, C>G on the plus strand (G>C on the coding strand, the complement: APOA1 is on the minus strand). VCF-style: chr11-116837132-C-G. GRCh37 (hg19) VCF-style: chr11-116707848-C-G.
Other names: c.69G>C, p.Gln23His (NM_001318017.2, NM_001318018.2, NM_001425090.1 and 1 more transcripts); c.-259G>C (NM_001425092.1); c.-128+213G>C (NM_001425091.1); c.-240-19G>C (NM_001318021.2); short protein forms Q23H.
Identifiers: ClinVar variation 4709842 (VCV004709842.1).
Genomic context (GRCh38, chr11:116,837,132, plus strand): 5'-CACGTACACAGTGGCCAGGTCCTTCACTCGATCCCAGGGGCTCTGGGGGGGTTCATCTTG[C>G]TGCCAGAAATGCCGAGCCTGGCTCCCTGAGGGTGGGAGGGGAGACCCAGATCAGGCCAGC-3'
Protein context (NP_000030.1, residues 13-33): LTGSQARHFW[Gln23His]QDEPPQSPWD